The following is an entry in ClinVar:

ClinVar aggregate classification (germline): Uncertain significance (1 of 4 stars; one submission).

Allele frequency attached by ClinVar (database versions not stated): gnomAD exomes below 0.00001.
gnomAD v4.1: 1 of 1,612,966 alleles (0.000062%); highest among the groups gnomAD compares: Middle Eastern, 0.017%; no homozygotes.

Submission:

Labcorp Genetics (formerly Invitae), Labcorp
Classification: Uncertain significance. Last evaluated: 2023-05-20. Review status: criteria provided, single submitter. Criteria: Invitae Variant Classification Sherloc (09022015). Collection method: clinical testing. Allele origin: germline.
Comment: This variant has not been reported in the literature in individuals affected with DLL4-related conditions. Advanced modeling of protein sequence and biophysical properties (such as structural, functional, and spatial information, amino acid conservation, physicochemical variation, residue mobility, and thermodynamic stability) performed at Invitae indicates that this missense variant is not expected to disrupt DLL4 protein function. In summary, the available evidence is currently insufficient to determine the role of this variant in disease. Therefore, it has been classified as a Variant of Uncertain Significance. This variant is not present in population databases (gnomAD no frequency). This sequence change replaces threonine, which is neutral and polar, with asparagine, which is neutral and polar, at codon 78 of the DLL4 protein (p.Thr78Asn).

NM_019074.4(DLL4):c.233C>A (p.Thr78Asn)

Gene: DLL4 (delta like canonical Notch ligand 4; plus strand). Cytogenetic location: 15q15.1.
Variant type: single nucleotide variant.
Coding change: c.233C>A on transcript NM_019074.4 (MANE Select); coding-DNA position 233, C replaced by A.
Protein change: p.Thr78Asn; replaces threonine 78 with asparagine.
Molecular consequence: missense variant.
Genome position (GRCh38, 1-based): chr15:40,930,013, C>A. VCF-style: chr15-40930013-C-A. GRCh37 (hg19) VCF-style: chr15-41222211-C-A.
Other names: short protein forms T78N.
Identifiers: ClinVar variation 2790140 (VCV002790140.3), dbSNP rs2542541357, ClinGen allele CA391804754.